The following is an entry in ClinVar:

ClinVar aggregate classification (germline): Uncertain significance. Review status: criteria provided, single submitter (1 of 4 stars). 2 submissions from 2 submitters: Uncertain significance (1). 1 of the submissions does not count toward it. Last evaluated 2024-10-22.

Conditions:
Epidermolysis bullosa dystrophica inversa, autosomal recessive. Identifiers: MedGen C2673612.

Allele frequency attached by ClinVar (database versions not stated): gnomAD 0.00001; gnomAD exomes 0.00001.
gnomAD v4.1: 19 of 1,607,712 alleles (0.0012%); highest among the groups gnomAD compares: Admixed American, 0.0017%; no homozygotes.

Submissions (2):

Labcorp Genetics (formerly Invitae), Labcorp
Classification: Uncertain significance. Last evaluated: 2024-10-22. Review status: criteria provided, single submitter. Criteria: Invitae Variant Classification Sherloc (09022015). Collection method: clinical testing. Allele origin: germline.
Comment: This sequence change replaces glutamine, which is neutral and polar, with proline, which is neutral and non-polar, at codon 2588 of the COL7A1 protein (p.Gln2588Pro). This variant is present in population databases (no rsID available, gnomAD 0.003%). This variant has not been reported in the literature in individuals affected with COL7A1-related conditions. ClinVar contains an entry for this variant (Variation ID: 990818). Invitae Evidence Modeling of protein sequence and biophysical properties (such as structural, functional, and spatial information, amino acid conservation, physicochemical variation, residue mobility, and thermodynamic stability) indicates that this missense variant is not expected to disrupt COL7A1 protein function with a negative predictive value of 95%. In summary, the available evidence is currently insufficient to determine the role of this variant in disease. Therefore, it has been classified as a Variant of Uncertain Significance.

Natera, Inc.
Classification: Uncertain significance for Autosomal recessive epidermolysis bullosa dystrophica inversa. Last evaluated: 2020-09-29. Review status: no assertion criteria provided. Collection method: clinical testing. Allele origin: germline. Not counted in ClinVar's aggregate classification.

NM_000094.4(COL7A1):c.7763A>C (p.Gln2588Pro)

Gene: COL7A1 (collagen type VII alpha 1 chain; minus strand). Cytogenetic location: 3p21.31.
Variant type: single nucleotide variant.
Coding change: c.7763A>C on transcript NM_000094.4 (MANE Select); coding-DNA position 7763, A replaced by C.
Protein change: p.Gln2588Pro; replaces glutamine 2588 with proline.
Molecular consequence: missense variant.
Genome position (GRCh38, 1-based): chr3:48,568,530, T>G on the plus strand (A>C on the coding strand, the complement: COL7A1 is on the minus strand). VCF-style: chr3-48568530-T-G. GRCh37 (hg19) VCF-style: chr3-48605963-T-G.
Other names: short protein forms Q2588P.
Identifiers: ClinVar variation 990818 (VCV000990818.4), dbSNP rs1233028552, ClinGen allele CA352642267.